The following is an entry in ClinVar:

ClinVar aggregate classification (germline): Uncertain significance (1 of 4 stars; one submission).

Conditions:
Colorectal cancer, hereditary nonpolyposis, type 7. Identifiers: Orphanet 144, MedGen C1858380, MONDO:0013725, OMIM 614385.

Submission:

Labcorp Genetics (formerly Invitae), Labcorp
Classification: Uncertain significance for Colorectal cancer, hereditary nonpolyposis, type 7. Last evaluated: 2024-02-09. Review status: criteria provided, single submitter. Criteria: Invitae Variant Classification Sherloc (09022015). Collection method: clinical testing. Allele origin: germline.
Comment: This sequence change replaces asparagine, which is neutral and polar, with histidine, which is basic and polar, at codon 1059 of the MLH3 protein (p.Asn1059His). This variant is not present in population databases (gnomAD no frequency). This variant has not been reported in the literature in individuals affected with MLH3-related conditions. An algorithm developed to predict the effect of missense changes on protein structure and function (PolyPhen-2) suggests that this variant is likely to be disruptive. In summary, the available evidence is currently insufficient to determine the role of this variant in disease. Therefore, it has been classified as a Variant of Uncertain Significance.

NM_001040108.2(MLH3):c.3175A>C (p.Asn1059His)

Gene: MLH3 (mutL homolog 3; minus strand). Cytogenetic location: 14q24.3.
Variant type: single nucleotide variant.
Coding change: c.3175A>C on transcript NM_001040108.2 (MANE Select); coding-DNA position 3175, A replaced by C.
Protein change: p.Asn1059His; replaces asparagine 1059 with histidine.
Molecular consequence: missense variant.
Genome position (GRCh38, 1-based): chr14:75,046,481, T>G on the plus strand (A>C on the coding strand, the complement: MLH3 is on the minus strand). VCF-style: chr14-75046481-T-G. GRCh37 (hg19) VCF-style: chr14-75513184-T-G.
Other names: c.3175A>C, p.Asn1059His (NM_014381.3); short protein forms N1059H.
Identifiers: ClinVar variation 3637897 (VCV003637897.2).
Genomic context (GRCh38, chr14:75,046,481, plus strand): 5'-TACAAGCAGCCTGAATGTCCTCAGTTGGGGCAATGAATGTGCTGAGTCCAGTCATTTTGT[T>G]GACATAAACCATTCTTCCCAGGGCTACATCGAAATGCCGCTGCCAATCTGAACAACACGT-3'
Protein context (NP_001035197.1, residues 1049-1069): DVALGRMVYV[Asn1059His]KMTGLSTFIA